The following is an entry in ClinVar:

NC_000001.11:g.230710009T>C

Gene: AGT (angiotensinogen; minus strand). Cytogenetic location: 1q42.2.
Variant type: single nucleotide variant.
Genome position: GRCh38 VCF-style: chr1-230710009-T-C. GRCh37 (hg19) VCF-style: chr1-230845755-T-C.
Other names: NM_000029.3:c.842A>G; c.815A>G (NM_001384479.1).
Identifiers: ClinVar variation 874937 (VCV000874937.10), dbSNP rs56073403, ClinGen allele CA1448221.

ClinVar aggregate classification (germline): Uncertain significance. Review status: criteria provided, multiple submitters, no conflicts (2 of 4 stars). 5 submissions from 5 submitters: Uncertain significance (3). 2 of the submissions do not count toward it. Last evaluated 2024-12-02.

Conditions:
Renal tubular dysgenesis. Also called: Renotubular dysgenesis. Identifiers: Orphanet 3033, MedGen C0266313, MONDO:0017609, HP:0008660.

Allele frequency attached by ClinVar (database versions not stated): ESP Exome Variant Server 0.00054; gnomAD 0.00069 and 0.00072; ExAC 0.00071; gnomAD exomes 0.00072 and 0.00126; 1000 Genomes Project 0.00080; 1000 Genomes Project 30x 0.00094; TOPMed 0.00103.
gnomAD v4.1: 1,945 of 1,614,198 alleles (0.12%); highest among the groups gnomAD compares: Admixed American, 0.18%; 3 homozygotes.

Submissions (5):

Women's Health and Genetics/Laboratory Corporation of America, LabCorp
Classification: Uncertain significance. Last evaluated: 2024-12-02. Review status: criteria provided, single submitter. Criteria: LabCorp Variant Classification Summary - May 2015. Collection method: clinical testing. Allele origin: germline.
Comment: Variant summary: AGT c.815A>G (p.Tyr272Cys) results in a non-conservative amino acid change in the encoded protein sequence. Two of three in-silico tools predict a benign effect of the variant on protein function. The variant allele was found at a frequency of 0.00072 in 251334 control chromosomes in the gnomAD database, including one homozygote. This frequency is not significantly higher than estimated for a pathogenic variant in AGT causing Renal Tubular Dysgenesis, allowing no conclusion about variant significance. c.815A>G has been reported in the literature in individuals affected with hypertension (Jeunemaitre_1992, Gimenez-Roqueplo_1996). These reports do not provide unequivocal conclusions about association of the variant with Renal Tubular Dysgenesis. At least one publication reports experimental evidence evaluating an impact on protein function, however, does not allow convincing conclusions about the variant effect. The following publications have been ascertained in the context of this evaluation (PMID: 27007659, 8621667, 7607642, 1394429). ClinVar contains an entry for this variant (Variation ID: 874937). Based on the evidence outlined above, the variant was classified as uncertain significance.

Labcorp Genetics (formerly Invitae), Labcorp
Classification: Uncertain significance. Last evaluated: 2022-06-29. Review status: criteria provided, single submitter. Criteria: Invitae Variant Classification Sherloc (09022015). Collection method: clinical testing. Allele origin: germline.
Comment: This sequence change replaces tyrosine, which is neutral and polar, with cysteine, which is neutral and slightly polar, at codon 281 of the AGT protein (p.Tyr281Cys). This variant is present in population databases (rs56073403, gnomAD 0.2%), and has an allele count higher than expected for a pathogenic variant. This variant has not been reported in the literature in individuals affected with AGT-related conditions. ClinVar contains an entry for this variant (Variation ID: 874937). Algorithms developed to predict the effect of missense changes on protein structure and function are either unavailable or do not agree on the potential impact of this missense change (SIFT: "Tolerated"; PolyPhen-2: "Probably Damaging"; Align-GVGD: "Class C0"). In summary, the available evidence is currently insufficient to determine the role of this variant in disease. Therefore, it has been classified as a Variant of Uncertain Significance.

Illumina Laboratory Services, Illumina
Classification: Uncertain significance for Renal tubular dysgenesis of genetic origin. Last evaluated: 2017-04-27. Review status: criteria provided, single submitter. Criteria: ICSL Variant Classification Criteria 13 December 2019. Collection method: clinical testing. Allele origin: germline.
Comment: This variant was observed as part of a predisposition screen in an ostensibly healthy population. A literature search was performed for the gene, cDNA change, and amino acid change (where applicable). Publications were found based on this search. However, the evidence from the literature, in combination with allele frequency data from public databases where available, was not sufficient to rule this variant in or out of causing disease. Therefore, this variant is classified as a variant of unknown significance.

Clinical Genetics DNA and cytogenetics Diagnostics Lab, Erasmus MC, Erasmus Medical Center
Classification: Likely benign. Review status: no assertion criteria provided. Collection method: clinical testing. Allele origin: germline. Affected: yes. Study: VKGL Data-share Consensus. Not counted in ClinVar's aggregate classification.

Laboratory of Diagnostic Genome Analysis, Leiden University Medical Center (LUMC)
Classification: Likely benign. Review status: no assertion criteria provided. Collection method: clinical testing. Allele origin: germline. Affected: yes. Study: VKGL Data-share Consensus. Not counted in ClinVar's aggregate classification.

Literature cited by the submitters: PubMed 27007659 (cited by Women's Health and Genetics/Laboratory Corporation of America, LabCorp); PubMed 8621667 (cited by Women's Health and Genetics/Laboratory Corporation of America, LabCorp); PubMed 7607642 (cited by Women's Health and Genetics/Laboratory Corporation of America, LabCorp and Illumina Laboratory Services, Illumina); PubMed 1394429 (cited by Women's Health and Genetics/Laboratory Corporation of America, LabCorp).